The following is an entry in ClinVar:

ClinVar aggregate classification (germline): Likely pathogenic (1 of 4 stars; one submission).

Conditions:
Saethre-Chotzen syndrome (SCS). Also called: CHOTZEN SYNDROME; ACROCEPHALY, SKULL ASYMMETRY, AND MILD SYNDACTYLY; ACS III. Identifiers: Orphanet 794, MedGen C0175699, MONDO:0007042, OMIM 101400.
TWIST1-related craniosynostosis (CRS1). Also called: CRANIOSYNOSTOSIS 1. Identifiers: Orphanet 63440, MedGen C4551902, MONDO:0007399, OMIM 123100. Inheritance: Heterogenous inheritance pattern.

Submission:

Labcorp Genetics (formerly Invitae), Labcorp
Classification: Likely pathogenic for TWIST1-related craniosynostosis; Saethre-Chotzen syndrome. Last evaluated: 2017-11-16. Review status: criteria provided, single submitter. Criteria: Invitae Variant Classification Sherloc (09022015). Collection method: clinical testing. Allele origin: germline.
Comment: In summary, the currently available evidence indicates that the variant is pathogenic, but additional data are needed to prove that conclusively. Therefore, this variant has been classified as Likely Pathogenic. Different missense substitutions at this codon (p.Arg116Trp, p.Arg116Leu) have been reported in individuals affected with Saethre-Chotzen syndrome (PMID: 9585583, 17693524) suggesting that this amino acid is critical for protein function. Algorithms developed to predict the effect of missense changes on protein structure and function (SIFT, PolyPhen-2, Align-GVGD) all suggest that this variant is likely to be disruptive, but these predictions have not been confirmed by published functional studies and their clinical significance is uncertain. This variant has been reported in an individual affected with Saethre-Chotzen syndrome (PMID: 15923834) and in an individual in the Leiden Open-source Variation Database (PMID: 21520333). This variant is not present in population databases (ExAC no frequency). This sequence change replaces arginine with glycine at codon 116 of the TWIST1 protein (p.Arg116Gly). The arginine residue is highly conserved and there is a moderate physicochemical difference between arginine and glycine.

Literature cited by the submitters: PubMed 9585583; PubMed 17693524; PubMed 15923834; PubMed 21520333.

NM_000474.4(TWIST1):c.346C>G (p.Arg116Gly)

Gene: TWIST1 (twist family bHLH transcription factor 1; minus strand). Cytogenetic location: 7p21.1.
Variant type: single nucleotide variant.
Coding change: c.346C>G on transcript NM_000474.4 (MANE Select); coding-DNA position 346, C replaced by G.
Protein change: p.Arg116Gly; replaces arginine 116 with glycine.
Molecular consequence: missense variant. On other transcripts: non-coding transcript variant (1).
Genome position (GRCh38, 1-based): chr7:19,116,976, G>C on the plus strand (C>G on the coding strand, the complement: TWIST1 is on the minus strand). VCF-style: chr7-19116976-G-C. GRCh37 (hg19) VCF-style: chr7-19156599-G-C.
Other names: short protein forms R116G.
Identifiers: ClinVar variation 543078 (VCV000543078.8), dbSNP rs1554442019, ClinGen allele CA367015634.
Genomic context (GRCh38, chr7:19,116,976, plus strand): 5'-GGATGATCTTCCGCAGCGCGGCGAACGCCTCGTTCAGCGACTGGGTGCGCTGGCGCTCCC[G>C]CACGTTGGCCATGACCCGCTGCGTCTGCAGCTCCTCGTAAGACTGCGGACTCCCGCCGCC-3'
Protein context (NP_000465.1, residues 106-126): LQTQRVMANV[Arg116Gly]ERQRTQSLNE